The following is an entry in ClinVar:

ClinVar aggregate classification (germline): Conflicting classifications of pathogenicity. Review status: criteria provided, conflicting classifications (1 of 4 stars). 11 submissions from 11 submitters: Likely pathogenic (1); Uncertain significance (7). 3 of the submissions do not count toward it. Last evaluated 2026-02-27.

Conditions:
MYO7A-related disorder. Also called: MYO7A-related disorders.
Deafness. Identifiers: MedGen C0011053.
Hearing loss, autosomal recessive. Also called: Deafness, autosomal recessive; Nonsyndromic Hearing Loss, Recessive; Rare autosomal recessive non-syndromic sensorineural deafness type DFNB; Autosomal recessive nonsyndromic deafness. Identifiers: Orphanet 90635, Orphanet 90636, MedGen C1846647, MONDO:0019588, OMIM 607197.
Usher syndrome type 1B (USH1B). Also called: Usher syndrome type IB. Identifiers: MedGen C1848638, MONDO:0700087.
Usher syndrome type 1 (USH1). Also called: RETINITIS PIGMENTOSA AND CONGENITAL DEAFNESS. Identifiers: Orphanet 231169, Orphanet 886, MedGen C1568247, MONDO:0010168, OMIM 276900.

Allele frequency attached by ClinVar (database versions not stated): gnomAD 0.00001; gnomAD exomes 0.00001; TOPMed 0.00001; ExAC 0.00002.
gnomAD v4.1: 9 of 1,613,818 alleles (0.00056%); highest among the groups gnomAD compares: South Asian, 0.0088%; no homozygotes.

Submissions (11):

PreventionGenetics, part of Exact Sciences
Classification: Uncertain significance for MYO7A-related condition. Last evaluated: 2026-02-27. Review status: criteria provided, single submitter. Criteria: ACMG Guidelines, 2015. Collection method: clinical testing. Allele origin: germline.
Comment: The MYO7A c.4505A>G variant is predicted to result in the amino acid substitution p.Asp1502Gly. This variant was reported in the heterozygous state in three individuals with hearing loss from two families; however, in all three cases this variant was observed along with the same pathogenic MYO7A truncating variant (p.Lys420*) which was confirmed to be in cis with this variant in one of the families, while both families had a different third potentially causative MYO7A variant (Figure 3, Richard et al. 2019. PubMed ID: 30303587; Doll et al. 2020. PubMed ID: 33187236). This variant has also been reported in a patient with Usher syndrome, although information on a second potentially causative variant was not presented (Table S3, Le Quesne Stabej et al. 2011. PubMed ID: 22135276). This variant is reported in 0.0065% of alleles in individuals of South Asian descent in gnomAD. At this time, the clinical significance of this variant is uncertain due to the absence of conclusive functional and genetic evidence.

3billion
Classification: Uncertain significance for Usher syndrome type 1. Last evaluated: 2025-12-09. Review status: criteria provided, single submitter. Criteria: ACMG Guidelines, 2015. Collection method: clinical testing. Allele origin: germline. Affected: yes.
Comment: The variant is observed at an extremely low frequency in the gnomAD v4.1.0 dataset (total allele frequency: <0.001%). Predicted Consequence/Location: Missense variant In silico tool predictions suggest damaging effect of the variant on gene or gene product [REVEL: 0.95 (>=0.6, sensitivity 0.68 and specificity 0.92)]. The same nucleotide change resulting in the same amino acid change has been previously reported to be associated with MYO7A-related disorder (ClinVar ID: VCV000517448 /PMID: 30303587). However, the evidence of pathogenicity is insufficient at this time. Therefore, this variant is classified as VUS according to the recommendation of ACMG/AMP guideline.

Labcorp Genetics (formerly Invitae), Labcorp
Classification: Uncertain significance. Last evaluated: 2025-04-30. Review status: criteria provided, single submitter. Criteria: Invitae Variant Classification Sherloc (09022015). Collection method: clinical testing. Allele origin: germline.
Comment: This sequence change replaces aspartic acid, which is acidic and polar, with glycine, which is neutral and non-polar, at codon 1502 of the MYO7A protein (p.Asp1502Gly). This variant is present in population databases (rs757460257, gnomAD 0.006%). This missense change has been observed in individual(s) with deafness and/or Usher syndrome (PMID: 22135276, 30303587, 33187236). ClinVar contains an entry for this variant (Variation ID: 517448). Invitae Evidence Modeling of protein sequence and biophysical properties (such as structural, functional, and spatial information, amino acid conservation, physicochemical variation, residue mobility, and thermodynamic stability) indicates that this missense variant is expected to disrupt MYO7A protein function with a positive predictive value of 80%. In summary, the available evidence is currently insufficient to determine the role of this variant in disease. Therefore, it has been classified as a Variant of Uncertain Significance.

Women's Health and Genetics/Laboratory Corporation of America, LabCorp
Classification: Uncertain significance. Last evaluated: 2024-04-16. Review status: criteria provided, single submitter. Criteria: LabCorp Variant Classification Summary - May 2015. Collection method: clinical testing. Allele origin: germline.
Comment: Variant summary: MYO7A c.4505A>G (p.Asp1502Gly) results in a non-conservative amino acid change located in the FERM domain (IPR000299) of the encoded protein sequence. Four of five in-silico tools predict a damaging effect of the variant on protein function. The variant allele was found at a frequency of 8e-06 in 249006 control chromosomes. The available data on variant occurrences in the general population are insufficient to allow any conclusion about variant significance. c.4505A>G has been reported in the literature in cis with an upstream loss of function nonsense variant, c.1258A>T (p.Lys420*) in a compound heterozygous genotype with a different MYO7A variant in two unrelated families affected with hearing loss (example, Richards_2019, Doll_2020). These report(s) do not provide unequivocal conclusions about association of the variant with Usher Syndrome. At-least two co-occurrences in cis with another pathogenic variant(s) have been reported (MYO7A c.1258A>T, p.Lys420* as summarized above), providing supporting evidence for a benign role. To our knowledge, no experimental evidence demonstrating an impact on protein function has been reported. The following publications have been ascertained in the context of this evaluation (PMID: 33187236, 22135276, 30303587). ClinVar contains an entry for this variant (Variation ID: 517448). Based on the evidence outlined above, the variant was classified as VUS-possibly benign.

Blueprint Genetics
Classification: Uncertain significance. Last evaluated: 2024-03-19. Review status: criteria provided, single submitter. Criteria: ACMG Guidelines, 2015. Collection method: clinical testing. Allele origin: germline.

GeneDx
Classification: Uncertain significance. Last evaluated: 2024-03-05. Review status: criteria provided, single submitter. Criteria: GeneDx Variant Classification Process June 2021. Collection method: clinical testing. Allele origin: germline. Affected: yes.
Comment: In silico analysis supports that this missense variant has a deleterious effect on protein structure/function; This variant is associated with the following publications: (PMID: 22135276, 30303587, 33187236)

CeGaT Center for Human Genetics Tuebingen
Classification: Likely pathogenic. Last evaluated: 2019-10-01. Review status: criteria provided, single submitter. Criteria: CeGaT Center For Human Genetics Tuebingen Variant Classification Criteria Version 2. Collection method: clinical testing. Allele origin: germline. Affected: yes. Observed: 1 variant allele.

Laboratory for Molecular Medicine, Mass General Brigham Personalized Medicine
Classification: Uncertain significance. Last evaluated: 2017-07-11. Review status: criteria provided, single submitter. Criteria: LMM Criteria. Collection method: clinical testing. Allele origin: germline. Observed: 3 variant alleles.
Comment: The p.Asp1502Gly variant in MYO7A has been previously reported in 1 individual w ith Usher syndrome; however, the individual was also reported to have 2 addition al truncating variants in MYO7A identified (Le Quesne Stabej 2012). This variant has been identified in 2/30782 South Asian chromosomes and in 1/18866 East Asian chromosomes by the Genome Agg regation Database (gnomAD; dbSNP rs757460257); however, its frequency is not high enough to rule out a pathogenic role. Comput ational prediction tools suggest the possible creation of a cryptic 5' splice si te; however, this information is not predictive enough to determine pathogenicit y. Additional computational prediction tools and conservation analysis suggest that this variant may impact the protein, though this information is not predict ive enough to determine pathogenicity. In summary, the clinical significance of the p.Asp1502Gly variant is uncertain.

Natera, Inc.
Classification: Uncertain significance for Usher syndrome type 1B. Last evaluated: 2021-06-19. Review status: no assertion criteria provided. Collection method: clinical testing. Allele origin: germline. Not counted in ClinVar's aggregate classification.

Center for Statistical Genetics, Columbia University
Classification: Pathogenic for Deafness. Last evaluated: 2018-09-10. Review status: no assertion criteria provided. Collection method: research. Allele origin: inherited. Affected: yes. Not counted in ClinVar's aggregate classification.
Comment: Autosomal recessive

University of Washington Center for Mendelian Genomics, University of Washington
Classification: Likely pathogenic for non-syndromic autosomal recessive hearing loss. Review status: no assertion criteria provided. Collection method: research. Allele origin: inherited. Affected: yes. Not counted in ClinVar's aggregate classification.

Literature cited by the submitters: PubMed 30303587 (cited by 4 submitters); PubMed 22135276 (cited by 3 submitters); PubMed 33187236 (cited by Labcorp Genetics (formerly Invitae), Labcorp and Women's Health and Genetics/Laboratory Corporation of America, LabCorp).

NM_000260.4(MYO7A):c.4505A>G (p.Asp1502Gly)

Gene: MYO7A (myosin VIIA; plus strand). Cytogenetic location: 11q13.5.
Variant type: single nucleotide variant.
Coding change: c.4505A>G on transcript NM_000260.4 (MANE Select); coding-DNA position 4505, A replaced by G.
Protein change: p.Asp1502Gly; replaces aspartic acid 1502 with glycine.
Molecular consequence: missense variant.
Genome position (GRCh38, 1-based): chr11:77,198,558, A>G. VCF-style: chr11-77198558-A-G. GRCh37 (hg19) VCF-style: chr11-76909603-A-G.
Other names: c.4505A>G, p.Asp1502Gly (NM_001127180.2); c.4472A>G, p.Asp1491Gly (NM_001369365.1); short protein forms D1502G, D1491G.
Identifiers: ClinVar variation 517448 (VCV000517448.52), dbSNP rs757460257, ClinGen allele CA6198464.